The following is an entry in ClinVar:

NM_001083614.2(EARS2):c.1098G>C (p.Glu366Asp)

Gene: EARS2 (glutamyl-tRNA synthetase 2, mitochondrial; minus strand). Cytogenetic location: 16p12.2.
Variant type: single nucleotide variant.
Coding change: c.1098G>C on transcript NM_001083614.2 (MANE Select); coding-DNA position 1098, G replaced by C.
Protein change: p.Glu366Asp; replaces glutamic acid 366 with aspartic acid.
Molecular consequence: missense variant. On other transcripts: non-coding transcript variant (1).
Genome position (GRCh38, 1-based): chr16:23,529,867, C>G on the plus strand (G>C on the coding strand, the complement: EARS2 is on the minus strand). VCF-style: chr16-23529867-C-G. GRCh37 (hg19) VCF-style: chr16-23541188-C-G.
Other names: c.1098G>C, p.Glu366Asp (NM_001308211.1); short protein forms E366D.
Identifiers: ClinVar variation 1418329 (VCV001418329.5), dbSNP rs746186859, ClinGen allele CA7962404.

ClinVar aggregate classification (germline): Uncertain significance. Review status: criteria provided, multiple submitters, no conflicts (2 of 4 stars). 2 submissions from 2 submitters: Uncertain significance (2). Last evaluated 2022-06-28.

Allele frequency attached by ClinVar (database versions not stated): gnomAD exomes below 0.00001 and 0.00001; ExAC 0.00001; gnomAD 0.00001 and 0.00003; TOPMed 0.00009.
gnomAD v4.1: 23 of 1,614,040 alleles (0.0014%); highest among the groups gnomAD compares: Admixed American, 0.0067%; no homozygotes.

Submissions (2):

Labcorp Genetics (formerly Invitae), Labcorp
Classification: Uncertain significance. Last evaluated: 2022-06-28. Review status: criteria provided, single submitter. Criteria: Invitae Variant Classification Sherloc (09022015). Collection method: clinical testing. Allele origin: germline.
Comment: This variant is present in population databases (rs746186859, gnomAD 0.007%). This sequence change replaces glutamic acid, which is acidic and polar, with aspartic acid, which is acidic and polar, at codon 366 of the EARS2 protein (p.Glu366Asp). This variant has not been reported in the literature in individuals affected with EARS2-related conditions. In summary, the available evidence is currently insufficient to determine the role of this variant in disease. Therefore, it has been classified as a Variant of Uncertain Significance. Advanced modeling of protein sequence and biophysical properties (such as structural, functional, and spatial information, amino acid conservation, physicochemical variation, residue mobility, and thermodynamic stability) performed at Invitae indicates that this missense variant is not expected to disrupt EARS2 protein function.

Mendelics
Classification: Uncertain significance. Last evaluated: 2022-05-04. Review status: criteria provided, single submitter. Criteria: Mendelics Assertion Criteria 2019. Collection method: clinical testing. Allele origin: germline.